The following is an entry in ClinVar:

NM_022370.4(ROBO3):c.2991G>A (p.Ala997=)

Gene: ROBO3 (roundabout guidance receptor 3; plus strand). Cytogenetic location: 11q24.2.
Variant type: single nucleotide variant.
Coding change: c.2991G>A on transcript NM_022370.4 (MANE Select); coding-DNA position 2991, G replaced by A.
Protein change: p.Ala997=; no amino-acid change (alanine 997 retained).
Molecular consequence: synonymous variant. On other transcripts: non-coding transcript variant (3), intron variant (2).
Genome position (GRCh38, 1-based): chr11:124,877,941, G>A. VCF-style: chr11-124877941-G-A. GRCh37 (hg19) VCF-style: chr11-124747837-G-A.
Other names: c.138G>A, p.Ala46= (NM_001370356.1, NM_001370357.1, NM_001370358.1 and 2 more transcripts); c.133+283G>A (NM_001370364.1, NM_001370366.1).
Identifiers: ClinVar variation 303262 (VCV000303262.9), dbSNP rs7933204, ClinGen allele CA6344019.

ClinVar aggregate classification (germline): Benign/Likely benign. Review status: criteria provided, multiple submitters, no conflicts (2 of 4 stars). 4 submissions from 4 submitters: Benign (3); Likely benign (1). Last evaluated 2024-11-27.

Conditions:
Gaze palsy, familial horizontal, with progressive scoliosis 1 (HGPPS1). Identifiers: Orphanet 2744, MedGen C4551964, MONDO:0020790, OMIM 607313.

Allele frequency attached by ClinVar (database versions not stated): 1000 Genomes Project 0.63199; 1000 Genomes Project 30x 0.63616; ExAC 0.67853; TOPMed 0.69185; gnomAD 0.70016 and 0.70857; ESP Exome Variant Server 0.72880.
gnomAD v4.1: 1,076,151 of 1,593,628 alleles (68%); highest among the groups gnomAD compares: African/African-American, 83%; 368,326 homozygotes.

Submissions (4):

Blueprint Genetics
Classification: Likely benign. Last evaluated: 2024-11-27. Review status: criteria provided, single submitter. Criteria: ACMG Guidelines, 2015. Collection method: clinical testing. Allele origin: germline.

Genome-Nilou Lab
Classification: Benign for Gaze palsy, familial horizontal, with progressive scoliosis 1. Last evaluated: 2021-11-07. Review status: criteria provided, single submitter. Criteria: ACMG Guidelines, 2015. Collection method: clinical testing. Allele origin: germline. Affected: no.

Illumina Laboratory Services, Illumina
Classification: Benign for Gaze palsy, familial horizontal, with progressive scoliosis 1. Last evaluated: 2018-01-12. Review status: criteria provided, single submitter. Criteria: ICSL Variant Classification Criteria 13 December 2019. Collection method: clinical testing. Allele origin: germline.
Comment: This variant was observed in the ICSL laboratory as part of a predisposition screen in an ostensibly healthy population. It had not been previously curated by ICSL or reported in the Human Gene Mutation Database (HGMD: prior to June 1st, 2018), and was therefore a candidate for classification through an automated scoring system. Utilizing variant allele frequency, disease prevalence and penetrance estimates, and inheritance mode, an automated score was calculated to assess if this variant is too frequent to cause the disease. Based on the score and internal cut-off values, a variant classified as benign is not then subjected to further curation. The score for this variant resulted in a classification of benign for this disease.

Breakthrough Genomics
Classification: Benign. Review status: criteria provided, single submitter. Criteria: ACMG Guidelines, 2015. Collection method: not provided. Allele origin: germline. Inheritance: Autosomal recessive inheritance. Affected: yes.